The following is an entry in ClinVar:

NM_000642.3(AGL):c.2299del (p.Cys767fs)

Gene: AGL (amylo-alpha-1,6-glucosidase and 4-alpha-glucanotransferase; plus strand). Cytogenetic location: 1p21.2.
Variant type: Deletion.
Coding change: c.2299del on transcript NM_000642.3 (MANE Select); coding-DNA position 2299, one base deleted (T; older notation c.2299delT).
Protein change: p.Cys767fs; shifts the reading frame from cysteine 767.
Molecular consequence: frameshift variant.
Genome position (GRCh38, 1-based): chr1:99,881,682, T deleted. VCF-style (leftmost placement, unchanged base first): chr1-99881681-GT-G. GRCh37 (hg19) VCF-style: chr1-100347237-GT-G.
Other names: c.2299del, p.Cys767fs (NM_000028.3, NM_000643.3, NM_000644.3 and 2 more transcripts); c.2251del, p.Cys751fs (NM_000646.3); c.2098del, p.Cys700fs (NM_001425327.1); c.2095del, p.Cys699fs (NM_001425328.1, NM_001425329.1); c.1921del, p.Cys641fs (NM_001425332.1); short protein forms C641fs, C699fs, C700fs, C751fs, C767fs.
Identifiers: ClinVar variation 5014091 (VCV005014091.1).

ClinVar aggregate classification (germline): Pathogenic (1 of 4 stars; one submission).

Conditions:
Glycogen storage disease type III (GSD3). Also called: FORBES DISEASE; Cori disease. Identifiers: Orphanet 366, MedGen C0017922, MONDO:0009291, OMIM 232400.

Submission:

Myriad Genetics, Inc.
Classification: Pathogenic for Glycogen storage disease type III. Last evaluated: 2025-02-11. Review status: criteria provided, single submitter. Criteria: Myriad Autosomal Dominant, Autosomal Recessive and X-Linked Classification Criteria (2023). Collection method: clinical testing. Allele origin: unknown.
Comment: NM_000642.2(AGL):c.2299delT(C767Afs*9) is expected to be pathogenic in the context of glycogen storage disease type III. This variant is predicted to lead to an abnormal or absent protein product due to the creation of a premature termination codon in AGL, a gene where loss-of-function variants are known to be pathogenic. Please note: this variant was assessed in the context of healthy population screening.